The following is an entry in ClinVar:

NM_000744.7(CHRNA4):c.1203G>C (p.Leu401=)

Gene: CHRNA4 (cholinergic receptor nicotinic alpha 4 subunit; minus strand). Cytogenetic location: 20q13.33.
Variant type: single nucleotide variant.
Coding change: c.1203G>C on transcript NM_000744.7 (MANE Select); coding-DNA position 1203, G replaced by C.
Protein change: p.Leu401=; no amino-acid change (leucine 401 retained).
Molecular consequence: synonymous variant. On other transcripts: non-coding transcript variant (1).
Genome position (GRCh38, 1-based): chr20:63,350,208, C>G on the plus strand (G>C on the coding strand, the complement: CHRNA4 is on the minus strand). VCF-style: chr20-63350208-C-G. GRCh37 (hg19) VCF-style: chr20-61981560-C-G.
Other names: p.L401L:CTG>CTC; c.675G>C, p.Leu225= (NM_001256573.2).
Identifiers: ClinVar variation 136758 (VCV000136758.27), dbSNP rs56142348, ClinGen allele CA232445.

ClinVar aggregate classification (germline): Conflicting classifications of pathogenicity. Review status: criteria provided, conflicting classifications (1 of 4 stars). 8 submissions from 8 submitters: Uncertain significance (1); Benign (3); Likely benign (3). 1 of the submissions does not count toward it. Last evaluated 2026-05-01.

Conditions:
CHRNA4-related disorder. Also called: CHRNA4-related condition.
Familial sleep-related hypermotor epilepsy. Also called: Autosomal Dominant Sleep-Related Hypermotor (Hyperkinetic) Epilepsy. Identifiers: Orphanet 98784, MedGen C3696898, MONDO:0000030.
Inborn genetic diseases. Identifiers: MedGen C0950123, MeSH D030342.

Allele frequency attached by ClinVar (database versions not stated): ESP Exome Variant Server 0.00031; gnomAD 0.00058 and 0.00066; TOPMed 0.00059; ExAC 0.00075.
gnomAD v4.1: 738 of 1,603,400 alleles (0.046%); highest among the groups gnomAD compares: Middle Eastern, 0.049%; 7 homozygotes.

Submissions (8):

CeGaT Center for Human Genetics Tuebingen
Classification: Likely benign. Last evaluated: 2026-05-01. Review status: criteria provided, single submitter. Criteria: CeGaT Center For Human Genetics Tuebingen Variant Classification Criteria Version 2. Collection method: clinical testing. Allele origin: germline. Affected: yes. Observed: 2 variant alleles.
Comment: CHRNA4: BP4, BP7

Labcorp Genetics (formerly Invitae), Labcorp
Classification: Benign. Last evaluated: 2025-12-16. Review status: criteria provided, single submitter. Criteria: Invitae Variant Classification Sherloc (09022015). Collection method: clinical testing. Allele origin: germline.

Blueprint Genetics
Classification: Likely benign. Last evaluated: 2024-04-15. Review status: criteria provided, single submitter. Criteria: ACMG Guidelines, 2015. Collection method: clinical testing. Allele origin: germline.

Athena Diagnostics
Classification: Benign. Last evaluated: 2017-07-03. Review status: criteria provided, single submitter. Criteria: Athena Diagnostics Criteria. Collection method: clinical testing. Allele origin: germline.

Ambry Genetics
Classification: Likely benign for Inborn genetic diseases. Last evaluated: 2016-11-16. Review status: criteria provided, single submitter. Criteria: Ambry Variant Classification Scheme 2023. Collection method: clinical testing. Allele origin: germline.

Eurofins Ntd Llc (ga)
Classification: Uncertain significance. Last evaluated: 2015-02-09. Review status: criteria provided, single submitter. Criteria: EGL Classification Definitions 2015. Collection method: clinical testing. Allele origin: germline. Observed: 1 variant allele, 1 heterozygote.

GeneDx
Classification: Benign. Last evaluated: 2013-09-27. Review status: criteria provided, single submitter. Criteria: GeneDx Variant Classification (06012015). Collection method: clinical testing. Allele origin: germline. Affected: yes.
Comment: This variant is considered likely benign or benign based on one or more of the following criteria: it is a conservative change, it occurs at a poorly conserved position in the protein, it is predicted to be benign by multiple in silico algorithms, and/or has population frequency not consistent with disease.

PreventionGenetics, part of Exact Sciences
Classification: Likely benign for CHRNA4-related condition. Last evaluated: 2019-04-04. Review status: no assertion criteria provided. Collection method: clinical testing. Allele origin: germline. Not counted in ClinVar's aggregate classification.
Comment: This variant is classified as likely benign based on ACMG/AMP sequence variant interpretation guidelines (Richards et al. 2015 PMID: 25741868, with internal and published modifications).

Literature cited by the submitters: PubMed 21683344 (cited by Athena Diagnostics).